The following is an entry in ClinVar:

ClinVar aggregate classification (germline): Uncertain significance. Review status: criteria provided, multiple submitters, no conflicts (2 of 4 stars). 2 submissions from 2 submitters: Uncertain significance (2). Last evaluated 2025-04-06.

Conditions:
Hereditary cancer-predisposing syndrome. Also called: Neoplastic Syndromes, Hereditary; Tumor predisposition; Hereditary neoplastic syndrome; Hereditary Cancer Syndrome. Identifiers: Orphanet 140162, MedGen C0027672, MeSH D009386, MONDO:0015356.
POLD1-related polyposis and colorectal cancer syndrome (CRCS10). Also called: COLORECTAL CANCER, SUSCEPTIBILITY TO, ON CHROMOSOME 19q; Colorectal cancer 10; Colorectal cancer, susceptibility to, 10. Identifiers: Orphanet 220460, MedGen C2675481, MONDO:0012953, OMIM 612591.

Allele frequency attached by ClinVar (database versions not stated): gnomAD exomes below 0.00001.
gnomAD v4.1: 1 of 1,614,124 alleles (0.000062%); highest among the groups gnomAD compares: Non-Finnish European, 0.000085%; no homozygotes.

Submissions (2):

Ambry Genetics
Classification: Uncertain significance for Hereditary cancer-predisposing syndrome. Last evaluated: 2025-04-06. Review status: criteria provided, single submitter. Criteria: Ambry Variant Classification Scheme 2023. Collection method: clinical testing. Allele origin: germline.
Comment: The p.L168V variant (also known as c.502C>G), located in coding exon 4 of the POLD1 gene, results from a C to G substitution at nucleotide position 502. The leucine at codon 168 is replaced by valine, an amino acid with highly similar properties. This amino acid position is conserved. In addition, this alteration is predicted to be tolerated by in silico analysis. Since supporting evidence is limited at this time, the clinical significance of this alteration remains unclear.

Labcorp Genetics (formerly Invitae), Labcorp
Classification: Uncertain significance for POLD1-related polyposis and colorectal cancer syndrome. Last evaluated: 2025-03-13. Review status: criteria provided, single submitter. Criteria: Invitae Variant Classification Sherloc (09022015). Collection method: clinical testing. Allele origin: germline.
Comment: This sequence change replaces leucine, which is neutral and non-polar, with valine, which is neutral and non-polar, at codon 168 of the POLD1 protein (p.Leu168Val). This variant is not present in population databases (gnomAD no frequency). This variant has not been reported in the literature in individuals affected with POLD1-related conditions. ClinVar contains an entry for this variant (Variation ID: 1744884). Invitae Evidence Modeling of protein sequence and biophysical properties (such as structural, functional, and spatial information, amino acid conservation, physicochemical variation, residue mobility, and thermodynamic stability) indicates that this missense variant is not expected to disrupt POLD1 protein function with a negative predictive value of 80%. In summary, the available evidence is currently insufficient to determine the role of this variant in disease. Therefore, it has been classified as a Variant of Uncertain Significance.

NM_002691.4(POLD1):c.502C>G (p.Leu168Val)

Gene: POLD1 (DNA polymerase delta 1, catalytic subunit; plus strand). Cytogenetic location: 19q13.33.
Variant type: single nucleotide variant.
Coding change: c.502C>G on transcript NM_002691.4 (MANE Select); coding-DNA position 502, C replaced by G.
Protein change: p.Leu168Val; replaces leucine 168 with valine.
Molecular consequence: missense variant. On other transcripts: non-coding transcript variant (1).
Genome position (GRCh38, 1-based): chr19:50,402,037, C>G. VCF-style: chr19-50402037-C-G. GRCh37 (hg19) VCF-style: chr19-50905294-C-G.
Other names: c.502C>G, p.Leu168Val (NM_001256849.1, NM_001308632.1); short protein forms L168V.
Identifiers: ClinVar variation 1744884 (VCV001744884.4), dbSNP rs2122238184, ClinGen allele CA406973053.